The following is an entry in ClinVar:

NM_194248.3(OTOF):c.*220C>T

Gene: OTOF (otoferlin; minus strand). Cytogenetic location: 2p23.3.
Variant type: single nucleotide variant.
Coding change: c.*220C>T on transcript NM_194248.3 (MANE Select); 220 bases downstream of the stop codon, C replaced by T.
Molecular consequence: 3 prime UTR variant.
Genome position (GRCh38, 1-based): chr2:26,458,018, G>A on the plus strand (C>T on the coding strand, the complement: OTOF is on the minus strand). VCF-style: chr2-26458018-G-A. GRCh37 (hg19) VCF-style: chr2-26680886-G-A.
Other names: c.*22C>T (NM_001287489.2, NM_194323.3); c.*220C>T (NM_004802.4, NM_194322.3).
Identifiers: ClinVar variation 894898 (VCV000894898.7), dbSNP rs72853716, ClinGen allele CA1562607.
Genomic context (GRCh38, chr2:26,458,018, plus strand): 5'-CCCAGGGGAGATGGGAAAGAGTCCAAGCCACTGAAAGGAAATGCGGCAGGGCTGGGGAGC[G>A]GCTGGCGGGAGCTGGCGGCCTTCATGCCCCAAGGAGCTTTTTGACCATGTAGCCAGGGAG-3'

ClinVar aggregate classification (germline): Likely benign. Review status: criteria provided, multiple submitters, no conflicts (2 of 4 stars). 2 submissions from 2 submitters: Likely benign (2). Last evaluated 2018-09-16.

Conditions:
Autosomal recessive nonsyndromic hearing loss 9. Also called: Deafness, autosomal recessive 9; OTOF-Related Hearing Loss; NEUROSENSORY NONSYNDROMIC RECESSIVE DEAFNESS 9; AUDITORY NEUROPATHY, AUTOSOMAL RECESSIVE, 1, TEMPERATURE-SENSITIVE. Identifiers: Orphanet 90636, MedGen C1832828, MONDO:0010986, OMIM 601071.

Allele frequency attached by ClinVar (database versions not stated): gnomAD exomes 0.00035 and 0.00077; ExAC 0.00096; 1000 Genomes Project 0.00300; gnomAD 0.00324 and 0.00356; 1000 Genomes Project 30x 0.00328; ESP Exome Variant Server 0.00378; TOPMed 0.00416.
gnomAD v4.1: 1,020 of 1,606,202 alleles (0.064%); highest among the groups gnomAD compares: African/African-American, 1.2%; 4 homozygotes.

Submissions (2):

GeneDx
Classification: Likely benign. Last evaluated: 2018-09-16. Review status: criteria provided, single submitter. Criteria: GeneDx Variant Classification Process June 2021. Collection method: clinical testing. Allele origin: germline. Affected: yes.

Illumina Laboratory Services, Illumina
Classification: Likely benign for Autosomal recessive nonsyndromic hearing loss 9. Last evaluated: 2017-11-16. Review status: criteria provided, single submitter. Criteria: ICSL Variant Classification Criteria 13 December 2019. Collection method: clinical testing. Allele origin: germline.
Comment: This variant was observed as part of a predisposition screen in an ostensibly healthy population. A literature search was performed for the gene, cDNA change, and amino acid change (where applicable). No publications were found based on this search. Allele frequency data from public databases allowed determination this variant is unlikely to cause disease. Therefore, this variant is classified as likely benign.